The following is an entry in ClinVar:

NM_006941.4(SOX10):c.122G>A (p.Gly41Asp)

Genes: POLR2F (RNA polymerase II, I and III subunit F; plus strand), SOX10 (SRY-box transcription factor 10; minus strand). Cytogenetic location: 22q13.1.
Variant type: single nucleotide variant.
Coding change: c.122G>A on transcript NM_006941.4 (MANE Select); coding-DNA position 122, G replaced by A.
Protein change: p.Gly41Asp; replaces glycine 41 with aspartic acid.
Molecular consequence: missense variant. On other transcripts: intron variant (3).
Genome position (GRCh38, 1-based): chr22:37,983,663, C>T on the plus strand (G>A on the coding strand, the complement: SOX10 is on the minus strand). VCF-style: chr22-37983663-C-T. GRCh37 (hg19) VCF-style: chr22-38379670-C-T.
Other names: c.*38+11353C>T (NM_001363825.1); c.294-2491C>T (NM_001301130.2); c.293+16493C>T (NM_001301131.2); short protein forms G41D.
Identifiers: ClinVar variation 2036984 (VCV002036984.4), dbSNP rs199750760, ClinGen allele CA411502036.
Genomic context (GRCh38, chr22:37,983,663, plus strand): 5'-CCGTCCTGCTGCTCCTTCTTGACCTTGCCCAGCTCGCCTGGCCCCGGGCTGGCTCGCAGG[C>T]CCGATCCGCCGCCGCCGCCGTCGGGCCCTAGCGAGGGCGCGCTCCCCGGGGACAGGCAGC-3'
Protein context (NP_008872.1, residues 31-51): LGPDGGGGGS[Gly41Asp]LRASPGPGEL

ClinVar aggregate classification (germline): Uncertain significance (1 of 4 stars; one submission).

gnomAD v4.1: 3 of 1,584,728 alleles (0.00019%); highest among the groups gnomAD compares: Non-Finnish European, 0.00026%; no homozygotes.

Submission:

Labcorp Genetics (formerly Invitae), Labcorp
Classification: Uncertain significance. Last evaluated: 2024-10-24. Review status: criteria provided, single submitter. Criteria: Invitae Variant Classification Sherloc (09022015). Collection method: clinical testing. Allele origin: germline.
Comment: This sequence change replaces glycine, which is neutral and non-polar, with aspartic acid, which is acidic and polar, at codon 41 of the SOX10 protein (p.Gly41Asp). The frequency data for this variant in the population databases is considered unreliable, as metrics indicate poor data quality at this position in the gnomAD database. This variant has not been reported in the literature in individuals affected with SOX10-related conditions. ClinVar contains an entry for this variant (Variation ID: 2036984). Invitae Evidence Modeling of protein sequence and biophysical properties (such as structural, functional, and spatial information, amino acid conservation, physicochemical variation, residue mobility, and thermodynamic stability) indicates that this missense variant is not expected to disrupt SOX10 protein function with a negative predictive value of 95%. In summary, the available evidence is currently insufficient to determine the role of this variant in disease. Therefore, it has been classified as a Variant of Uncertain Significance.